The following is an entry in ClinVar:

ClinVar aggregate classification (germline): Likely benign. Review status: criteria provided, multiple submitters, no conflicts (2 of 4 stars). 3 submissions from 3 submitters: Likely benign (2). 1 of the submissions does not count toward it. Last evaluated 2024-08-11.

Conditions:
VHL-related disorder. Also called: VHL-related condition.
Von Hippel-Lindau syndrome (VHLS). Also called: von Hippel–Lindau syndrome; Von Hippel-Lindau; VHL syndrome. Identifiers: Orphanet 892, MedGen C0019562, MONDO:0008667, OMIM 193300. Disease mechanism: loss of function.
Chuvash polycythemia. Also called: POLYCYTHEMIA, VHL-DEPENDENT. Identifiers: Orphanet 238557, MedGen C1837915, MONDO:0009892, OMIM 263400.

Allele frequency attached by ClinVar (database versions not stated): TOPMed below 0.00001; gnomAD 0.00001.
gnomAD v4.1: 1 of 1,614,104 alleles (0.000062%); highest among the groups gnomAD compares: African/African-American, 0.0013%; no homozygotes.

Submissions (3):

Labcorp Genetics (formerly Invitae), Labcorp
Classification: Likely benign for Von Hippel-Lindau syndrome; Chuvash polycythemia. Last evaluated: 2024-08-11. Review status: criteria provided, single submitter. Criteria: Invitae Variant Classification Sherloc (09022015). Collection method: clinical testing. Allele origin: germline.

All of Us Research Program, National Institutes of Health
Classification: Likely benign for Von Hippel-Lindau syndrome. Last evaluated: 2022-11-30. Review status: criteria provided, single submitter. Criteria: ACMG Guidelines, 2015. Collection method: clinical testing. Allele origin: germline. Inheritance: Autosomal dominant inheritance. Observed: 1 variant allele, 1 heterozygote.
Comment: This study involves interpretation of variants in research participants for the purpose of population health screening. Participant phenotype was not available at the time of variant classification. Additional details can be found in publication PMID: 35346344, PMCID: PMC8962531

PreventionGenetics, part of Exact Sciences
Classification: Likely benign for VHL-related condition. Last evaluated: 2024-05-02. Review status: no assertion criteria provided. Collection method: clinical testing. Allele origin: germline. Not counted in ClinVar's aggregate classification.
Comment: This variant is classified as likely benign based on ACMG/AMP sequence variant interpretation guidelines (Richards et al. 2015 PMID: 25741868, with internal and published modifications).

NM_000551.4(VHL):c.582G>A (p.Val194=)

Genes: VHL (von Hippel-Lindau tumor suppressor; plus strand), LOC107303340 (3p25 von Hippel-Lindau tumor suppressor, E3 ubiquitin protein ligase Alu-mediated recombination region; plus strand). Cytogenetic location: 3p25.3.
Variant type: single nucleotide variant.
Coding change: c.582G>A on transcript NM_000551.4 (MANE Select); coding-DNA position 582, G replaced by A.
Protein change: p.Val194=; no amino-acid change (valine 194 retained).
Molecular consequence: synonymous variant. On other transcripts: 3 prime UTR variant (1).
Genome position (GRCh38, 1-based): chr3:10,149,905, G>A. VCF-style: chr3-10149905-G-A. GRCh37 (hg19) VCF-style: chr3-10191589-G-A.
Other names: c.582G>A (NM_000551.3); c.*136G>A (NM_001354723.2); c.459G>A, p.Val153= (NM_198156.3).
Identifiers: ClinVar variation 1575914 (VCV001575914.10), dbSNP rs1696363804, ClinGen allele CA432423767.
Genomic context (GRCh38, chr3:10,149,905, plus strand): 5'-TTACAGGAGACTGGACATCGTCAGGTCGCTCTACGAAGATCTGGAAGACCACCCAAATGT[G>A]CAGAAAGACCTGGAGCGGCTGACACAGGAGCGCATTGCACATCAACGGATGGGAGATTGA-3'
Protein context (NP_000542.1, residues 184-204): LYEDLEDHPN[Val194=]QKDLERLTQE